The following is an entry in ClinVar:

ClinVar aggregate classification (germline): Likely benign. Review status: criteria provided, multiple submitters, no conflicts (2 of 4 stars). 3 submissions from 3 submitters: Likely benign (2). 1 of the submissions does not count toward it. Last evaluated 2025-06-12.

Conditions:
Congenital anomalies of kidney and urinary tract 3. Identifiers: MedGen C4748921, MONDO:0032646, OMIM 618270.
NRIP1-related disorder. Also called: NRIP1-related condition.

Allele frequency attached by ClinVar (database versions not stated): gnomAD exomes 0.00029; TOPMed 0.00005; 1000 Genomes Project 0.00100; 1000 Genomes Project 30x 0.00078; gnomAD 0.00015; ExAC 0.00047.
gnomAD v4.1: 441 of 1,614,056 alleles (0.027%); highest among the groups gnomAD compares: South Asian, 0.43%; 3 homozygotes.

Submissions (3):

Labcorp Genetics (formerly Invitae), Labcorp
Classification: Likely benign. Last evaluated: 2025-06-12. Review status: criteria provided, single submitter. Criteria: Invitae Variant Classification Sherloc (09022015). Collection method: clinical testing. Allele origin: germline.

Department of Pathology and Laboratory Medicine, Sinai Health System
Classification: Likely benign for Congenital anomalies of kidney and urinary tract 3. Last evaluated: 2022-07-20. Review status: criteria provided, single submitter. Criteria: ACMG Guidelines, 2015. Collection method: research. Allele origin: germline.

PreventionGenetics, part of Exact Sciences
Classification: Likely benign for NRIP1-related condition. Last evaluated: 2019-12-30. Review status: no assertion criteria provided. Collection method: clinical testing. Allele origin: germline. Not counted in ClinVar's aggregate classification.
Comment: This variant is classified as likely benign based on ACMG/AMP sequence variant interpretation guidelines (Richards et al. 2015 PMID: 25741868, with internal and published modifications).

NM_003489.4(NRIP1):c.2840G>A (p.Arg947Gln)

Gene: NRIP1 (nuclear receptor interacting protein 1; minus strand). Cytogenetic location: 21q11.2.
Variant type: single nucleotide variant.
Coding change: c.2840G>A on transcript NM_003489.4 (MANE Select); coding-DNA position 2840, G replaced by A.
Protein change: p.Arg947Gln; replaces arginine 947 with glutamine.
Molecular consequence: missense variant.
Genome position (GRCh38, 1-based): chr21:14,965,353, C>T on the plus strand (G>A on the coding strand, the complement: NRIP1 is on the minus strand). VCF-style: chr21-14965353-C-T. GRCh37 (hg19) VCF-style: chr21-16337674-C-T.
Other names: c.2840G>A (NM_003489.3); short protein forms R947Q.
Identifiers: ClinVar variation 2706648 (VCV002706648.6), dbSNP rs569026862, ClinGen allele CA9981073.